The following is an entry in ClinVar:

NM_000834.5(GRIN2B):c.4036G>A (p.Glu1346Lys)

Gene: GRIN2B (glutamate ionotropic receptor NMDA type subunit 2B; minus strand). Cytogenetic location: 12p13.1.
Variant type: single nucleotide variant.
Coding change: c.4036G>A on transcript NM_000834.5 (MANE Select); coding-DNA position 4036, G replaced by A.
Protein change: p.Glu1346Lys; replaces glutamic acid 1346 with lysine.
Molecular consequence: missense variant.
Genome position (GRCh38, 1-based): chr12:13,563,202, C>T on the plus strand (G>A on the coding strand, the complement: GRIN2B is on the minus strand). VCF-style: chr12-13563202-C-T. GRCh37 (hg19) VCF-style: chr12-13716136-C-T.
Other names: short protein forms E1346K.
Identifiers: ClinVar variation 1359119 (VCV001359119.6), dbSNP rs766060662, ClinGen allele CA6460798.

ClinVar aggregate classification (germline): Uncertain significance (1 of 4 stars; one submission).

Conditions:
Intellectual developmental disorder, autosomal dominant 6, with or without seizures. Also called: GRIN2B-related developmental delay, intellectual disability and autism spectrum disorder; Intellectual disability, autosomal dominant 6. Identifiers: Orphanet 589547, MedGen C3151411, MONDO:0013509, OMIM 613970.
Developmental and epileptic encephalopathy, 27 (DEE27). Also called: GRIN2B-Related Neurodevelopmental Disorder; Epileptic encephalopathy, early infantile, 27. Identifiers: Orphanet 3451, MedGen C4015316, MONDO:0014505, OMIM 616139.

Allele frequency attached by ClinVar (database versions not stated): gnomAD exomes below 0.00001; ExAC 0.00001.
gnomAD v4.1: 1 of 1,614,204 alleles (0.000062%); highest among the groups gnomAD compares: Non-Finnish European, 0.000085%; no homozygotes.

Submission:

Labcorp Genetics (formerly Invitae), Labcorp
Classification: Uncertain significance for Developmental and epileptic encephalopathy, 27; Intellectual developmental disorder, autosomal dominant 6, with or without seizures. Last evaluated: 2025-06-09. Review status: criteria provided, single submitter. Criteria: Invitae Variant Classification Sherloc (09022015). Collection method: clinical testing. Allele origin: germline.
Comment: This sequence change replaces glutamic acid, which is acidic and polar, with lysine, which is basic and polar, at codon 1346 of the GRIN2B protein (p.Glu1346Lys). This variant is present in population databases (rs766060662, gnomAD 0.0009%). This variant has not been reported in the literature in individuals affected with GRIN2B-related conditions. ClinVar contains an entry for this variant (Variation ID: 1359119). Invitae Evidence Modeling of protein sequence and biophysical properties (such as structural, functional, and spatial information, amino acid conservation, physicochemical variation, residue mobility, and thermodynamic stability) indicates that this missense variant is not expected to disrupt GRIN2B protein function with a negative predictive value of 95%. In summary, the available evidence is currently insufficient to determine the role of this variant in disease. Therefore, it has been classified as a Variant of Uncertain Significance.